The following is an entry in ClinVar:

ClinVar aggregate classification (germline): Likely benign (1 of 4 stars; one submission).

Submission:

CeGaT Center for Human Genetics Tuebingen
Classification: Likely benign. Last evaluated: 2023-08-01. Review status: criteria provided, single submitter. Criteria: CeGaT Center For Human Genetics Tuebingen Variant Classification Criteria Version 2. Collection method: clinical testing. Allele origin: germline. Affected: yes. Observed: 1 variant allele.
Comment: RERE: PM2:Supporting, BP4, BP7

NM_001042681.2(RERE):c.4356T>G (p.Val1452=)

Gene: RERE (arginine-glutamic acid dipeptide repeats; minus strand). Cytogenetic location: 1p36.23.
Variant type: single nucleotide variant.
Coding change: c.4356T>G on transcript NM_001042681.2 (MANE Select); coding-DNA position 4356, T replaced by G.
Protein change: p.Val1452=; no amino-acid change (valine 1452 retained).
Molecular consequence: synonymous variant.
Genome position (GRCh38, 1-based): chr1:8,356,230, A>C on the plus strand (T>G on the coding strand, the complement: RERE is on the minus strand). VCF-style: chr1-8356230-A-C. GRCh37 (hg19) VCF-style: chr1-8416290-A-C.
Other names: c.2694T>G, p.Val898= (NM_001042682.2); c.4356T>G, p.Val1452= (NM_012102.4).
Identifiers: ClinVar variation 2578559 (VCV002578559.25), dbSNP rs2522680959, ClinGen allele CA415842301.